The following is an entry in ClinVar:

NM_001042492.3(NF1):c.7421A>T (p.Asp2474Val)

Gene: NF1 (neurofibromin 1; plus strand). Cytogenetic location: 17q11.2.
Variant type: single nucleotide variant.
Coding change: c.7421A>T on transcript NM_001042492.3 (MANE Select); coding-DNA position 7421, A replaced by T.
Protein change: p.Asp2474Val; replaces aspartic acid 2474 with valine.
Molecular consequence: missense variant.
Genome position (GRCh38, 1-based): chr17:31,350,282, A>T. VCF-style: chr17-31350282-A-T. GRCh37 (hg19) VCF-style: chr17-29677300-A-T.
Other names: c.7358A>T, p.Asp2453Val (NM_000267.4); short protein forms D2453V, D2474V.
Identifiers: ClinVar variation 2176362 (VCV002176362.4), dbSNP rs2070107259, ClinGen allele CA399017156.

ClinVar aggregate classification (germline): Uncertain significance (1 of 4 stars; one submission).

Conditions:
Neurofibromatosis, type 1 (NF1). Also called: VON RECKLINGHAUSEN DISEASE; NEUROFIBROMATOSIS, TYPE I, SOMATIC; Neurofibromatosis, type I; Peripheral type neurofibromatosis. Identifiers: Orphanet 636, MedGen C0027831, MONDO:0018975, OMIM 162200. Disease mechanism: loss of function.

Submission:

Labcorp Genetics (formerly Invitae), Labcorp
Classification: Uncertain significance for Neurofibromatosis, type 1. Last evaluated: 2022-01-06. Review status: criteria provided, single submitter. Criteria: Invitae Variant Classification Sherloc (09022015). Collection method: clinical testing. Allele origin: germline.
Comment: In summary, the available evidence is currently insufficient to determine the role of this variant in disease. Therefore, it has been classified as a Variant of Uncertain Significance. Algorithms developed to predict the effect of missense changes on protein structure and function are either unavailable or do not agree on the potential impact of this missense change (SIFT: "Deleterious"; PolyPhen-2: "Benign"; Align-GVGD: "Class C0"). This variant has not been reported in the literature in individuals affected with NF1-related conditions. This variant is not present in population databases (gnomAD no frequency). This sequence change replaces aspartic acid, which is acidic and polar, with valine, which is neutral and non-polar, at codon 2453 of the NF1 protein (p.Asp2453Val).